The following is an entry in ClinVar:

NM_001035.3(RYR2):c.8380G>C (p.Glu2794Gln)

Gene: RYR2 (ryanodine receptor 2; plus strand). Cytogenetic location: 1q43.
Variant type: single nucleotide variant.
Coding change: c.8380G>C on transcript NM_001035.3 (MANE Select); coding-DNA position 8380, G replaced by C.
Protein change: p.Glu2794Gln; replaces glutamic acid 2794 with glutamine.
Molecular consequence: missense variant.
Genome position (GRCh38, 1-based): chr1:237,660,891, G>C. VCF-style: chr1-237660891-G-C. GRCh37 (hg19) VCF-style: chr1-237824191-G-C.
Other names: short protein forms E2794Q.
Identifiers: ClinVar variation 1478837 (VCV001478837.8), dbSNP rs2148846514, ClinGen allele CA345401902.

ClinVar aggregate classification (germline): Uncertain significance. Review status: criteria provided, multiple submitters, no conflicts (2 of 4 stars). 2 submissions from 2 submitters: Uncertain significance (2). Last evaluated 2025-07-08.

Conditions:
Cardiomyopathy (CMYO). Also called: Cardiomyopathies. Identifiers: Orphanet 167848, MedGen C0878544, MONDO:0004994, HP:0001638. Inheritance: Various modes of inheritance.
Catecholaminergic polymorphic ventricular tachycardia 1. Also called: VENTRICULAR TACHYCARDIA, CATECHOLAMINERGIC POLYMORPHIC, 1, WITH OR WITHOUT ATRIAL DYSFUNCTION AND/OR DILATED CARDIOMYOPATHY; RYR2-Related Catecholaminergic Polymorphic Ventricular Tachycardia; VENTRICULAR TACHYCARDIA, STRESS-INDUCED POLYMORPHIC 1. Identifiers: Orphanet 3286, MedGen C1631597, MONDO:0011484, OMIM 604772.

Submissions (2):

Color Diagnostics, LLC DBA Color Health
Classification: Uncertain significance for Cardiomyopathy. Last evaluated: 2025-07-08. Review status: criteria provided, single submitter. Criteria: ACMG Guidelines, 2015. Collection method: clinical testing. Allele origin: germline.
Comment: This missense variant replaces glutamic acid with glutamine at codon 2794 of the RYR2 protein. Computational prediction is inconclusive regarding the impact of this variant on protein structure and function. To our knowledge, functional studies have not been reported for this variant. This variant has not been reported in individuals affected with RYR2-related disorders in the literature. This variant has not been identified in the general population by the Genome Aggregation Database (gnomAD). The available evidence is insufficient to determine the role of this variant in disease conclusively. Therefore, this variant is classified as a Variant of Uncertain Significance.

Labcorp Genetics (formerly Invitae), Labcorp
Classification: Uncertain significance for Catecholaminergic polymorphic ventricular tachycardia 1. Last evaluated: 2022-07-25. Review status: criteria provided, single submitter. Criteria: Invitae Variant Classification Sherloc (09022015). Collection method: clinical testing. Allele origin: germline.
Comment: ClinVar contains an entry for this variant (Variation ID: 1478837). In summary, the available evidence is currently insufficient to determine the role of this variant in disease. Therefore, it has been classified as a Variant of Uncertain Significance. Algorithms developed to predict the effect of missense changes on protein structure and function are either unavailable or do not agree on the potential impact of this missense change (SIFT: "Deleterious"; PolyPhen-2: "Benign"; Align-GVGD: "Class C25"). This variant has not been reported in the literature in individuals affected with RYR2-related conditions. This variant is not present in population databases (gnomAD no frequency). This sequence change replaces glutamic acid, which is acidic and polar, with glutamine, which is neutral and polar, at codon 2794 of the RYR2 protein (p.Glu2794Gln).